The following is an entry in ClinVar:

NM_000092.5(COL4A4):c.4900T>C (p.Cys1634Arg)

Gene: COL4A4 (collagen type IV alpha 4 chain; minus strand). Cytogenetic location: 2q36.3.
Variant type: single nucleotide variant.
Coding change: c.4900T>C on transcript NM_000092.5 (MANE Select); coding-DNA position 4900, T replaced by C.
Protein change: p.Cys1634Arg; replaces cysteine 1634 with arginine.
Molecular consequence: missense variant.
Genome position (GRCh38, 1-based): chr2:227,007,498, A>G on the plus strand (T>C on the coding strand, the complement: COL4A4 is on the minus strand). VCF-style: chr2-227007498-A-G. GRCh37 (hg19) VCF-style: chr2-227872214-A-G.
Other names: short protein forms C1634R.
Identifiers: ClinVar variation 2149729 (VCV002149729.7), dbSNP rs1559393934, ClinGen allele CA351140224.

ClinVar aggregate classification (germline): Conflicting classifications of pathogenicity. Review status: criteria provided, conflicting classifications (1 of 4 stars). 4 submissions from 4 submitters: Likely pathogenic (3); Uncertain significance (1). Last evaluated 2026-08-21.

Conditions:
COL4A4-related disorder.
Autosomal recessive Alport syndrome (ATS2). Also called: COL4A3-Related Nephropathy; COL4A4 Alport Syndrome and Thin Basement Membrane Nephropathy; ALPORT SYNDROME 2, AUTOSOMAL RECESSIVE; Alport syndrome type 2. Identifiers: Orphanet 63, Orphanet 88919, MedGen C4746745, MONDO:0008762, OMIM 203780.
Hematuria, benign familial, 1 (BFH1). Also called: THIN MEMBRANE NEPHROPATHY. Identifiers: MedGen CN376803, MONDO:0007709, OMIM 141200.

Allele frequency attached by ClinVar (database versions not stated): gnomAD exomes below 0.00001; gnomAD 0.00001.
gnomAD v4.1: 3 of 1,614,000 alleles (0.00019%); highest among the groups gnomAD compares: African/African-American, 0.0013%; no homozygotes.

Submissions (4):

PreventionGenetics, part of Exact Sciences
Classification: Likely pathogenic for COL4A4-related condition. Last evaluated: 2026-08-21. Review status: criteria provided, single submitter. Criteria: ACMG Guidelines, 2015. Collection method: clinical testing. Allele origin: germline.
Comment: The COL4A4 c.4900T>C variant is predicted to result in the amino acid substitution p.Cys1634Arg. To our knowledge, this variant has not been reported in the literature or in a large population database (gnomAD), indicating this variant is rare. This variant is located in the carboxy non-collagenous (NC) domain of COL4A4; and missense variants, especially affecting cysteines (mutational hotspots), in this domain can disrupt the structural stability critical for heterotrimer assembly and basement membrane network formation, leading to Alport syndrome spectrum disorders (Savige et al. 2021. PubMed ID: 33854215). Of note, a different substitution at the same codon, defined as c.4900T>A (p.Cys1634Ser), was reported to segregate with autosomal-dominant Alport syndrome in a family, but incomplete penetrance was also noted (Pescucciet al. 2004. PubMed ID: 15086897). The c.4900T>C (p.Cys1634Arg) variant is interpreted as likely pathogenic for both autosomal dominant and recessive COL4A4-related Alport syndrome spectrum disorders.

Labcorp Genetics (formerly Invitae), Labcorp
Classification: Likely pathogenic. Last evaluated: 2025-12-24. Review status: criteria provided, single submitter. Criteria: Invitae Variant Classification Sherloc (09022015). Collection method: clinical testing. Allele origin: germline.
Comment: This sequence change replaces cysteine, which is neutral and slightly polar, with arginine, which is basic and polar, at codon 1634 of the COL4A4 protein (p.Cys1634Arg). This variant is not present in population databases (gnomAD no frequency). This missense change has been observed in individual(s) with clinical features of Alport syndrome (internal data). ClinVar contains an entry for this variant (Variation ID: 2149729). Invitae Evidence Modeling of protein sequence and biophysical properties (such as structural, functional, and spatial information, amino acid conservation, physicochemical variation, residue mobility, and thermodynamic stability) has been performed for this missense variant. However, the output from this modeling did not meet the statistical confidence thresholds required to predict the impact of this variant on COL4A4 protein function. This variant disrupts the p.Cys1634 amino acid residue in COL4A4. Other variant(s) that disrupt this residue have been determined to be pathogenic (PMID: 15086897; internal data). This suggests that this residue is clinically significant, and that variants that disrupt this residue are likely to be disease-causing. In summary, the currently available evidence indicates that the variant is pathogenic, but additional data are needed to prove that conclusively. Therefore, this variant has been classified as Likely Pathogenic.

GeneDx
Classification: Uncertain significance. Last evaluated: 2024-12-31. Review status: criteria provided, single submitter. Criteria: GeneDx Variant Classification Process June 2021. Collection method: clinical testing. Allele origin: germline. Affected: yes.
Comment: Not observed at significant frequency in large population cohorts (gnomAD); In silico analysis supports that this missense variant has a deleterious effect on protein structure/function; Has not been previously published as pathogenic or benign to our knowledge

Fulgent Genetics
Classification: Likely pathogenic for Hematuria, benign familial, 1; Autosomal recessive Alport syndrome. Last evaluated: 2024-05-23. Review status: criteria provided, single submitter. Criteria: ACMG Guidelines, 2015. Collection method: clinical testing. Allele origin: germline.

Literature cited by the submitters: PubMed 15086897 (cited by Labcorp Genetics (formerly Invitae), Labcorp).